The following is an entry in ClinVar:

NM_024915.4(GRHL2):c.543G>A (p.Glu181=)

Gene: GRHL2 (grainyhead like transcription factor 2; plus strand). Cytogenetic location: 8q22.3.
Variant type: single nucleotide variant.
Coding change: c.543G>A on transcript NM_024915.4 (MANE Select); coding-DNA position 543, G replaced by A.
Protein change: p.Glu181=; no amino-acid change (glutamic acid 181 retained).
Molecular consequence: synonymous variant.
Genome position (GRCh38, 1-based): chr8:101,558,677, G>A. VCF-style: chr8-101558677-G-A. GRCh37 (hg19) VCF-style: chr8-102570905-G-A.
Other names: c.495G>A, p.Glu165= (NM_001330593.2).
Identifiers: ClinVar variation 163646 (VCV000163646.37), dbSNP rs200674096, ClinGen allele CA176263.
Genomic context (GRCh38, chr8:101,558,677, plus strand): 5'-AGATTTCACACCAGTTTTCATGGCCCCACCTGTGCACTATCCCCGGGGAGATGGGGAAGA[G>A]CAACGAGTGGTTATCTTTGAACAGACTCAGTATGACGTGCCCTCGCTGGCCACCCACAGC-3'
Protein context (NP_079191.2, residues 171-191): PVHYPRGDGE[Glu181=]QRVVIFEQTQ

ClinVar aggregate classification (germline): Likely benign. Review status: criteria provided, multiple submitters, no conflicts (2 of 4 stars). 6 submissions from 6 submitters: Likely benign (5). 1 of the submissions does not count toward it. Last evaluated 2025-06-08.

Conditions:
GRHL2-related disorder. Also called: GRHL2-related disorders; GRHL2-related condition.

Allele frequency attached by ClinVar (database versions not stated): TOPMed 0.00029; gnomAD 0.00034 and 0.00035; ESP Exome Variant Server 0.00062.
gnomAD v4.1: 665 of 1,614,056 alleles (0.041%); highest among the groups gnomAD compares: Non-Finnish European, 0.052%; no homozygotes.

Submissions (6):

Labcorp Genetics (formerly Invitae), Labcorp
Classification: Likely benign. Last evaluated: 2025-06-08. Review status: criteria provided, single submitter. Criteria: Invitae Variant Classification Sherloc (09022015). Collection method: clinical testing. Allele origin: germline.

Blueprint Genetics
Classification: Likely benign. Last evaluated: 2024-09-19. Review status: criteria provided, single submitter. Criteria: ACMG Guidelines, 2015. Collection method: clinical testing. Allele origin: germline.

CeGaT Center for Human Genetics Tuebingen
Classification: Likely benign. Last evaluated: 2023-07-01. Review status: criteria provided, single submitter. Criteria: CeGaT Center For Human Genetics Tuebingen Variant Classification Criteria Version 2. Collection method: clinical testing. Allele origin: germline. Affected: yes. Observed: 1 variant allele.
Comment: GRHL2: BP4, BP7

GeneDx
Classification: Likely benign. Last evaluated: 2020-09-17. Review status: criteria provided, single submitter. Criteria: GeneDx Variant Classification Process June 2021. Collection method: clinical testing. Allele origin: germline. Affected: yes.

Laboratory for Molecular Medicine, Mass General Brigham Personalized Medicine
Classification: Likely benign. Last evaluated: 2016-01-07. Review status: criteria provided, single submitter. Criteria: LMM Criteria. Collection method: clinical testing. Allele origin: germline. Observed: 2 variant alleles.
Comment: p.Glu181Glu in Exon 04 of GRHL2: This variant is not expected to have clinical s ignificance because it does not alter an amino acid residue, is not located with in the splice consensus sequence, and has been identified in 33/66688 European c hromosomes by the Exome Aggregation Consortium (ExAC .org; dbSNP rs200674096).

PreventionGenetics, part of Exact Sciences
Classification: Likely benign for GRHL2-related condition. Last evaluated: 2019-09-04. Review status: no assertion criteria provided. Collection method: clinical testing. Allele origin: germline. Not counted in ClinVar's aggregate classification.
Comment: This variant is classified as likely benign based on ACMG/AMP sequence variant interpretation guidelines (Richards et al. 2015 PMID: 25741868, with internal and published modifications).